The following is an entry in ClinVar:

ClinVar aggregate classification (germline): Pathogenic (1 of 4 stars; one submission).

Conditions:
VPS13A-related neurodegenerative disease. Also called: ACANTHOCYTOSIS WITH NEUROLOGIC DISORDER; LEVINE-CRITCHLEY SYNDROME; Choreoacanthocytosis; Chorea-acanthocytosis; VPS13A Disease; Choreaacanthocytosis. Identifiers: Orphanet 2388, MedGen C0393576, MONDO:0008695, OMIM 200150.

Submission:

Myriad Genetics, Inc.
Classification: Pathogenic for VPS13A-related neurodegenerative disease. Last evaluated: 2024-07-25. Review status: criteria provided, single submitter. Criteria: Myriad Autosomal Dominant, Autosomal Recessive and X-Linked Classification Criteria (2023). Collection method: clinical testing. Allele origin: unknown.
Comment: NM_033305.2(VPS13A):c.7463T>G(L2488*) is expected to be pathogenic in the context of VPS13A disease. This variant is predicted to lead to an abnormal or absent protein product due to the creation of a premature termination codon in VPS13A, a gene where loss-of-function variants are known to be pathogenic. Please note: this variant was assessed in the context of healthy population screening.

NM_033305.3(VPS13A):c.7463T>G (p.Leu2488Ter)

Gene: VPS13A (vacuolar protein sorting 13 homolog A; plus strand). Cytogenetic location: 9q21.2.
Variant type: single nucleotide variant.
Coding change: c.7463T>G on transcript NM_033305.3 (MANE Select); coding-DNA position 7463, T replaced by G.
Protein change: p.Leu2488Ter; replaces leucine 2488 with a stop codon.
Molecular consequence: nonsense.
Genome position (GRCh38, 1-based): chr9:77,353,452, T>G. VCF-style: chr9-77353452-T-G. GRCh37 (hg19) VCF-style: chr9-79968368-T-G.
Other names: c.7346T>G, p.Leu2449Ter (NM_001018037.2); c.7463T>G, p.Leu2488Ter (NM_001018038.3, NM_015186.4); short protein forms L2449*, L2488*.
Identifiers: ClinVar variation 5013370 (VCV005013370.1).